The following is an entry in ClinVar:

NM_006904.7(PRKDC):c.3782T>C (p.Leu1261Pro)

Gene: PRKDC (protein kinase, DNA-activated, catalytic subunit; minus strand). Cytogenetic location: 8q11.21.
Variant type: single nucleotide variant.
Coding change: c.3782T>C on transcript NM_006904.7 (MANE Select); coding-DNA position 3782, T replaced by C.
Protein change: p.Leu1261Pro; replaces leucine 1261 with proline.
Molecular consequence: missense variant.
Genome position (GRCh38, 1-based): chr8:47,893,204, A>G on the plus strand (T>C on the coding strand, the complement: PRKDC is on the minus strand). VCF-style: chr8-47893204-A-G. GRCh37 (hg19) VCF-style: chr8-48805765-A-G.
Other names: c.3782T>C, p.Leu1261Pro (NM_001081640.2); short protein forms L1261P.
Identifiers: ClinVar variation 934103 (VCV000934103.8), dbSNP rs2089500624, ClinGen allele CA371150318.

ClinVar aggregate classification (germline): Uncertain significance (1 of 4 stars; one submission).

Conditions:
Severe combined immunodeficiency due to DNA-PKcs deficiency. Also called: IMMUNODEFICIENCY 26 WITH NEUROLOGIC ABNORMALITIES; Immunodeficiency 26 with or without neurologic abnormalities. Identifiers: Orphanet 317425, MedGen C4014833, MONDO:0014423, OMIM 615966.

Allele frequency attached by ClinVar (database versions not stated): gnomAD exomes below 0.00001.
gnomAD v4.1: 1 of 1,613,240 alleles (0.000062%); highest among the groups gnomAD compares: East Asian, 0.0022%; no homozygotes.

Submission:

Labcorp Genetics (formerly Invitae), Labcorp
Classification: Uncertain significance for Severe combined immunodeficiency due to DNA-PKcs deficiency. Last evaluated: 2019-05-13. Review status: criteria provided, single submitter. Criteria: Invitae Variant Classification Sherloc (09022015). Collection method: clinical testing. Allele origin: germline.
Comment: In summary, the available evidence is currently insufficient to determine the role of this variant in disease. Therefore, it has been classified as a Variant of Uncertain Significance. Algorithms developed to predict the effect of missense changes on protein structure and function (SIFT, PolyPhen-2, Align-GVGD) all suggest that this variant is likely to be disruptive, but these predictions have not been confirmed by published functional studies and their clinical significance is uncertain. This variant has not been reported in the literature in individuals with PRKDC-related conditions. This variant is not present in population databases (ExAC no frequency). This sequence change replaces leucine with proline at codon 1261 of the PRKDC protein (p.Leu1261Pro). The leucine residue is highly conserved and there is a moderate physicochemical difference between leucine and proline.